The following is an entry in ClinVar:

NM_001854.4(COL11A1):c.4545A>G (p.Lys1515=)

Gene: COL11A1 (collagen type XI alpha 1 chain; minus strand). Cytogenetic location: 1p21.1.
Variant type: single nucleotide variant.
Coding change: c.4545A>G on transcript NM_001854.4 (MANE Select); coding-DNA position 4545, A replaced by G.
Protein change: p.Lys1515=; no amino-acid change (lysine 1515 retained).
Molecular consequence: synonymous variant. On other transcripts: non-coding transcript variant (1).
Genome position (GRCh38, 1-based): chr1:102,888,732, T>C on the plus strand (A>G on the coding strand, the complement: COL11A1 is on the minus strand). VCF-style: chr1-102888732-T-C. GRCh37 (hg19) VCF-style: chr1-103354288-T-C.
Other names: c.4428A>G, p.Lys1476= (NM_001190709.2); c.4581A>G, p.Lys1527= (NM_080629.3); c.4197A>G, p.Lys1399= (NM_080630.4).
Identifiers: ClinVar variation 1203770 (VCV001203770.13), dbSNP rs575231157, ClinGen allele CA973486.
Genomic context (GRCh38, chr1:102,888,732, plus strand): 5'-ATTAAATAGGTTTCAATGCAAAATTAAATTGTCAAAGGGAAAAGTACTTACAGTAGAGCC[T>C]TTGTTACCCTTTGGGCCTTGAGGACCCTACAAAATGCAAATGCAAAAGCACAGATAAAAA-3'
Protein context (NP_001845.3, residues 1505-1525): LPGPQGPKGN[Lys1515=]GSTGPAGQKG

ClinVar aggregate classification (germline): Likely benign. Review status: criteria provided, multiple submitters, no conflicts (2 of 4 stars). 3 submissions from 3 submitters: Likely benign (2). 1 of the submissions does not count toward it. Last evaluated 2025-07-31.

Conditions:
COL11A1-related disorder. Also called: COL11A1-related condition; COL11A1-related disorders.

Allele frequency attached by ClinVar (database versions not stated): gnomAD 0.00001 and 0.00003; gnomAD exomes 0.00002 and 0.00015; TOPMed 0.00003; ExAC 0.00016; 1000 Genomes Project 0.00040; 1000 Genomes Project 30x 0.00047.
gnomAD v4.1: 41 of 1,613,966 alleles (0.0025%); highest among the groups gnomAD compares: East Asian, 0.082%; no homozygotes.

Submissions (3):

Labcorp Genetics (formerly Invitae), Labcorp
Classification: Likely benign. Last evaluated: 2025-07-31. Review status: criteria provided, single submitter. Criteria: Invitae Variant Classification Sherloc (09022015). Collection method: clinical testing. Allele origin: germline.

GeneDx
Classification: Likely benign. Last evaluated: 2019-06-04. Review status: criteria provided, single submitter. Criteria: GeneDx Variant Classification Process June 2021. Collection method: clinical testing. Allele origin: germline. Affected: yes.

PreventionGenetics, part of Exact Sciences
Classification: Likely benign for COL11A1-related condition. Last evaluated: 2022-02-27. Review status: no assertion criteria provided. Collection method: clinical testing. Allele origin: germline. Not counted in ClinVar's aggregate classification.
Comment: This variant is classified as likely benign based on ACMG/AMP sequence variant interpretation guidelines (Richards et al. 2015 PMID: 25741868, with internal and published modifications).